The following is an entry in ClinVar:

ClinVar aggregate classification (germline): Uncertain significance. Review status: criteria provided, multiple submitters, no conflicts (2 of 4 stars). 3 submissions from 3 submitters: Uncertain significance (2). 1 of the submissions does not count toward it. Last evaluated 2023-07-25.

Conditions:
HEMOGLOBIN LAS PALMAS.

Allele frequency attached by ClinVar (database versions not stated): gnomAD 0.00001; TOPMed 0.00003.

Submissions (3):

Quest Diagnostics Nichols Institute San Juan Capistrano
Classification: Uncertain significance. Last evaluated: 2023-07-25. Review status: criteria provided, single submitter. Criteria: Quest Diagnostics criteria. Collection method: clinical testing. Allele origin: unknown.
Comment: The HBB c.149C>T (p.Ser50Phe) variant (also known as Hb Las Palmas) has been reported in the published literature in two healthy family members and was described as mildly unstable (PMID: 3384708 (1988)). This variant did not affect hematological values, though there was a slightly elevated reticulocyte count (PMID: 3384708 (1988)). The frequency of this variant in the general population, 0.0000066 (1/152122 chromosomes (Genome Aggregation Database)), is uninformative in the assessment of its pathogenicity. Analysis of this variant using bioinformatics tools for the prediction of the effect of amino acid changes on protein structure and function yielded predictions that this variant is damaging. Based on the available information, we are unable to determine the clinical significance of this variant.

Women's Health and Genetics/Laboratory Corporation of America, LabCorp
Classification: Uncertain significance. Last evaluated: 2021-12-30. Review status: criteria provided, single submitter. Criteria: LabCorp Variant Classification Summary - May 2015. Collection method: clinical testing. Allele origin: germline.
Comment: Variant summary: HBB c.149C>T (p.Ser50Phe), also known as Hemoglobin Las Palmas results in a non-conservative amino acid change located in the globin domain (IPR000971) of the encoded protein sequence. Five of five in-silico tools predict a damaging effect of the variant on protein function. The variant was absent in 251424 control chromosomes. The available data on variant occurrences in the general population are insufficient to allow any conclusion about variant significance. c.149C>T has been reported in the literature as a mildly unstable variant in carrier individuals from Canary Islands with relatively normal hematological parameters (example, Malcorra-Azpiazu_1988) and also as a frequent cause for falsely abnormal HbA1c measurement among diabetic patient carriers living in the Canary Islands (example, Lorenzo-Medina_2012). These report(s) do not provide unequivocal conclusions about association of the variant with Hemoglobinopathy. At least one publication reports experimental evidence evaluating an impact on protein function. The most pronounced variant effect results in a mildly unstable hemoglobin based on heat denaturation and isopropanaol tests (example, Malcorra-Azpiazu_1988). No clinical diagnostic laboratory has submitted clinical-significance assessments for this variant to ClinVar after 2014. Based on the evidence outlined above, the variant was classified as uncertain significance.

OMIM
Classification: other for HEMOGLOBIN LAS PALMAS. Last evaluated: 2017-12-12. Review status: no assertion criteria provided. Collection method: literature only. Allele origin: germline. Not counted in ClinVar's aggregate classification.

Literature cited by the submitters: PubMed 22718637 (cited by Quest Diagnostics Nichols Institute San Juan Capistrano and Women's Health and Genetics/Laboratory Corporation of America, LabCorp); PubMed 3384708 (cited by 3 submitters).

NM_000518.4(HBB):c.149C>T (p.Ser50Phe)

Genes: HBB (hemoglobin subunit beta; minus strand), LOC106099062 (HBB recombination region; plus strand), LOC107133510 (origin of replication at HBB; plus strand). Cytogenetic location: 11p15.4.
Variant type: single nucleotide variant.
Coding change: c.149C>T on transcript NM_000518.4; coding-DNA position 149, C replaced by T.
Protein change: p.Ser50Phe; replaces serine 50 with phenylalanine.
Molecular consequence: missense variant (on NM_000518.5).
Genome position (GRCh38, 1-based): chr11:5,226,743, G>A on the plus strand (C>T on the coding strand, the complement: HBB is on the minus strand). VCF-style: chr11-5226743-G-A. GRCh37 (hg19) VCF-style: chr11-5247973-G-A.
Other names: S49F; c.149C>T, p.Ser50Phe (NM_000518.5); short protein forms S50F.
Identifiers: ClinVar variation 15246 (VCV000015246.4), dbSNP rs33960931, ClinGen allele CA124995.